The following is an entry in ClinVar:

ClinVar aggregate classification (germline): Uncertain significance. Review status: criteria provided, multiple submitters, no conflicts (2 of 4 stars). 3 submissions from 3 submitters: Uncertain significance (2). 1 of the submissions does not count toward it. Last evaluated 2025-01-02.

Conditions:
Inborn genetic diseases. Identifiers: MedGen C0950123, MeSH D030342.
Nemaline myopathy 2 (NEM2). Also called: Nemaline myopathy 2, autosomal recessive. Identifiers: MedGen C1850569, MONDO:0009725, OMIM 256030.

Allele frequency attached by ClinVar (database versions not stated): gnomAD 0.00001; gnomAD exomes 0.00001; ExAC 0.00002; TOPMed 0.00002.
gnomAD v4.1: 13 of 1,613,868 alleles (0.00081%); highest among the groups gnomAD compares: East Asian, 0.013%; 1 homozygote.

Submissions (3):

Ambry Genetics
Classification: Uncertain significance for Inborn genetic diseases. Last evaluated: 2025-01-02. Review status: criteria provided, single submitter. Criteria: Ambry Variant Classification Scheme 2023. Collection method: clinical testing. Allele origin: germline.

Labcorp Genetics (formerly Invitae), Labcorp
Classification: Uncertain significance for Nemaline myopathy 2. Last evaluated: 2024-04-05. Review status: criteria provided, single submitter. Criteria: Invitae Variant Classification Sherloc (09022015). Collection method: clinical testing. Allele origin: germline.
Comment: This sequence change replaces isoleucine, which is neutral and non-polar, with threonine, which is neutral and polar, at codon 609 of the NEB protein (p.Ile609Thr). This variant is present in population databases (rs748239538, gnomAD 0.01%). This variant has not been reported in the literature in individuals affected with NEB-related conditions. ClinVar contains an entry for this variant (Variation ID: 465516). Experimental studies and prediction algorithms are not available or were not evaluated, and the functional significance of this variant is currently unknown. In summary, the available evidence is currently insufficient to determine the role of this variant in disease. Therefore, it has been classified as a Variant of Uncertain Significance.

Natera, Inc.
Classification: Uncertain significance for Nemaline myopathy type 2. Last evaluated: 2019-11-11. Review status: no assertion criteria provided. Collection method: clinical testing. Allele origin: germline. Not counted in ClinVar's aggregate classification.

NM_001164508.2(NEB):c.1826T>C (p.Ile609Thr)

Gene: NEB (nebulin; minus strand). Cytogenetic location: 2q23.3.
Variant type: single nucleotide variant.
Coding change: c.1826T>C on transcript NM_001164508.2 (MANE Select); coding-DNA position 1826, T replaced by C.
Protein change: p.Ile609Thr; replaces isoleucine 609 with threonine.
Molecular consequence: missense variant.
Genome position (GRCh38, 1-based): chr2:151,694,393, A>G on the plus strand (T>C on the coding strand, the complement: NEB is on the minus strand). VCF-style: chr2-151694393-A-G. GRCh37 (hg19) VCF-style: chr2-152550907-A-G.
Other names: c.1826T>C, p.Ile609Thr (NM_001164507.2, NM_001271208.2, NM_004543.5); c.1826T>C (NM_004543.4); short protein forms I609T.
Identifiers: ClinVar variation 465516 (VCV000465516.12), dbSNP rs748239538, ClinGen allele CA1911432.